The following is an entry in ClinVar:

NM_002317.7(LOX):c.981C>A (p.Asp327Glu)

Genes: LOX (lysyl oxidase; minus strand), SRFBP1 (serum response factor binding protein 1; plus strand). Cytogenetic location: 5q23.1.
Variant type: single nucleotide variant.
Coding change: c.981C>A on transcript NM_002317.7 (MANE Select); coding-DNA position 981, C replaced by A.
Protein change: p.Asp327Glu; replaces aspartic acid 327 with glutamic acid.
Molecular consequence: missense variant.
Genome position (GRCh38, 1-based): chr5:122,074,067, G>T on the plus strand (C>A on the coding strand, the complement: LOX is on the minus strand). VCF-style: chr5-122074067-G-T. GRCh37 (hg19) VCF-style: chr5-121409762-G-T.
Other names: c.291C>A, p.Asp97Glu (NM_001178102.2); c.90C>A, p.Asp30Glu (NM_001317073.1); short protein forms D30E, D327E, D97E.
Identifiers: ClinVar variation 4854431 (VCV004854431.1).

ClinVar aggregate classification (germline): Uncertain significance (1 of 4 stars; one submission).

Conditions:
Aortic aneurysm, familial thoracic 10 (AAT10). Identifiers: MedGen C4284414, MONDO:0014950, OMIM 617168.

gnomAD v4.1: 1 of 1,614,136 alleles (0.000062%); highest among the groups gnomAD compares: Non-Finnish European, 0.000085%; no homozygotes.

Submission:

3billion
Classification: Uncertain significance for Aortic aneurysm, familial thoracic 10. Last evaluated: 2025-08-04. Review status: criteria provided, single submitter. Criteria: ACMG Guidelines, 2015. Collection method: clinical testing. Allele origin: germline. Affected: yes.
Comment: The variant is observed at an extremely low frequency in the gnomAD v4.1.0 dataset (total allele frequency: <0.001%). Predicted Consequence/Location: Missense variant. Damaging effect on gene or gene product predicted by in silico programs is uncertain [REVEL: 0.56 (damaging >=0.6, benign <0.4), 3Cnet: 0.75 (damaging >0.75, benign <0.1)]. The variant has been reported as of uncertain significance (ClinVar ID: VCV002807433). Therefore, this variant is classified as VUS according to the recommendation of ACMG/AMP guideline.